The following is an entry in ClinVar:

ClinVar aggregate classification (germline): Uncertain significance (1 of 4 stars; one submission).

Submission:

Ambry Genetics
Classification: Uncertain significance. Last evaluated: 2023-07-06. Review status: criteria provided, single submitter. Criteria: Ambry Variant Classification Scheme 2023. Collection method: clinical testing. Allele origin: germline.
Comment: The p.T809S variant (also known as c.2425A>T), located in coding exon 22 of the PRKDC gene, results from an A to T substitution at nucleotide position 2425. The threonine at codon 809 is replaced by serine, an amino acid with similar properties. This amino acid position is conserved. In addition, this alteration is predicted to be tolerated by in silico analysis. Since supporting evidence is limited at this time, the clinical significance of this alteration remains unclear.

NM_006904.7(PRKDC):c.2425A>T (p.Thr809Ser)

Gene: PRKDC (protein kinase, DNA-activated, catalytic subunit; minus strand). Cytogenetic location: 8q11.21.
Variant type: single nucleotide variant.
Coding change: c.2425A>T on transcript NM_006904.7 (MANE Select); coding-DNA position 2425, A replaced by T.
Protein change: p.Thr809Ser; replaces threonine 809 with serine.
Molecular consequence: missense variant.
Genome position (GRCh38, 1-based): chr8:47,918,378, T>A on the plus strand (A>T on the coding strand, the complement: PRKDC is on the minus strand). VCF-style: chr8-47918378-T-A. GRCh37 (hg19) VCF-style: chr8-48830938-T-A.
Other names: c.2425A>T, p.Thr809Ser (NM_001081640.2); short protein forms T809S.
Identifiers: ClinVar variation 2626334 (VCV002626334.2), dbSNP rs545651411, ClinGen allele CA371160670.